The following is an entry in ClinVar:

ClinVar aggregate classification (germline): Uncertain significance (1 of 4 stars; one submission).

Allele frequency attached by ClinVar (database versions not stated): gnomAD exomes 0.00001 and 0.00002; ExAC 0.00003.
gnomAD v4.1: 19 of 1,614,076 alleles (0.0012%); highest among the groups gnomAD compares: Non-Finnish European, 0.0016%; no homozygotes.

Submission:

Labcorp Genetics (formerly Invitae), Labcorp
Classification: Uncertain significance. Last evaluated: 2017-02-27. Review status: criteria provided, single submitter. Criteria: Invitae Variant Classification Sherloc (09022015). Collection method: clinical testing. Allele origin: germline.
Comment: In summary, this variant is a rare missense change with uncertain impact on protein function. There is no indication that it causes disease, but the available evidence is currently insufficient to prove that conclusively. Therefore, it has been classified as a Variant of Uncertain Significance. Algorithms developed to predict the effect of missense changes on protein structure and function do not agree on the potential impact of this missense change (SIFT: "Tolerated"; PolyPhen-2: "Possibly Damaging"; Align-GVGD: "Class C0"). This variant is present in population databases (rs763968523, ExAC 0.006%) but has not been reported in the literature in individuals with an SLC25A12-related disease. This sequence change replaces glutamine with arginine at codon 158 of the SLC25A12 protein (p.Gln158Arg). The glutamine residue is moderately conserved and there is a small physicochemical difference between glutamine and arginine.

NM_003705.5(SLC25A12):c.473A>G (p.Gln158Arg)

Gene: SLC25A12 (solute carrier family 25 member 12; minus strand). Cytogenetic location: 2q31.1.
Variant type: single nucleotide variant.
Coding change: c.473A>G on transcript NM_003705.5 (MANE Select); coding-DNA position 473, A replaced by G.
Protein change: p.Gln158Arg; replaces glutamine 158 with arginine.
Molecular consequence: missense variant. On other transcripts: non-coding transcript variant (1).
Genome position (GRCh38, 1-based): chr2:171,837,260, T>C on the plus strand (A>G on the coding strand, the complement: SLC25A12 is on the minus strand). VCF-style: chr2-171837260-T-C. GRCh37 (hg19) VCF-style: chr2-172693770-T-C.
Other names: short protein forms Q158R.
Identifiers: ClinVar variation 1059424 (VCV001059424.9), dbSNP rs763968523, ClinGen allele CA1966364.